The following is an entry in ClinVar:

ClinVar aggregate classification (germline): Uncertain significance (1 of 4 stars; one submission).

Allele frequency attached by ClinVar (database versions not stated): ESP Exome Variant Server 0.00031; TOPMed 0.00042; gnomAD 0.00054; 1000 Genomes Project 0.00080; 1000 Genomes Project 30x 0.00109.
gnomAD v4.1: 351 of 1,612,294 alleles (0.022%); highest among the groups gnomAD compares: African/African-American, 0.077%; no homozygotes.

Submission:

Labcorp Genetics (formerly Invitae), Labcorp
Classification: Uncertain significance. Last evaluated: 2023-05-05. Review status: criteria provided, single submitter. Criteria: Invitae Variant Classification Sherloc (09022015). Collection method: clinical testing. Allele origin: germline.
Comment: In summary, the available evidence is currently insufficient to determine the role of this variant in disease. Therefore, it has been classified as a Variant of Uncertain Significance. An algorithm developed to predict the effect of missense changes on protein structure and function (PolyPhen-2) suggests that this variant is likely to be disruptive. This variant has not been reported in the literature in individuals affected with SIPA1L3-related conditions. This variant is present in population databases (rs200685283, gnomAD 0.2%), and has an allele count higher than expected for a pathogenic variant. This sequence change replaces arginine, which is basic and polar, with histidine, which is basic and polar, at codon 1217 of the SIPA1L3 protein (p.Arg1217His).

NM_015073.3(SIPA1L3):c.3650G>A (p.Arg1217His)

Gene: SIPA1L3 (signal induced proliferation associated 1 like 3; plus strand). Cytogenetic location: 19q13.13.
Variant type: single nucleotide variant.
Coding change: c.3650G>A on transcript NM_015073.3 (MANE Select); coding-DNA position 3650, G replaced by A.
Protein change: p.Arg1217His; replaces arginine 1217 with histidine.
Molecular consequence: missense variant.
Genome position (GRCh38, 1-based): chr19:38,152,956, G>A. VCF-style: chr19-38152956-G-A. GRCh37 (hg19) VCF-style: chr19-38643596-G-A.
Other names: short protein forms R1217H.
Identifiers: ClinVar variation 2749614 (VCV002749614.3), dbSNP rs200685283, ClinGen allele CA9410067.
Genomic context (GRCh38, chr19:38,152,956, plus strand): 5'-GGACGTCCAGCGGCGACTCCTCTTCCGGCGGCCTGACCAGCCAGGAGAGCACCATGGAAC[G>A]CCAGAAGCCAGGTAGGGCCCCCACCAGCTGCTGCGCCCACCCGCCTGCCTCACTCCGCAG-3'
Protein context (NP_055888.1, residues 1207-1227): GLTSQESTME[Arg1217His]QKPEPLWHVP